The following is an entry in ClinVar:

ClinVar aggregate classification (germline): Pathogenic (1 of 4 stars; one submission).

Submission:

Labcorp Genetics (formerly Invitae), Labcorp
Classification: Pathogenic. Last evaluated: 2024-12-03. Review status: criteria provided, single submitter. Criteria: Invitae Variant Classification Sherloc (09022015). Collection method: clinical testing. Allele origin: germline.
Comment: This sequence change creates a premature translational stop signal (p.Ser244Thrfs*20) in the TSFM gene. While this is not anticipated to result in nonsense mediated decay, it is expected to disrupt the last 103 amino acid(s) of the TSFM protein. This variant is not present in population databases (gnomAD no frequency). This variant has not been reported in the literature in individuals affected with TSFM-related conditions. This variant disrupts a region of the TSFM protein in which other variant(s) (p.Arg333Trp ) have been determined to be pathogenic (PMID: 17033963, 21741925, 22277967). This suggests that this is a clinically significant region of the protein, and that variants that disrupt it are likely to be disease-causing. For these reasons, this variant has been classified as Pathogenic.

Literature cited by the submitters: PubMed 17033963; PubMed 21741925; PubMed 22277967.

NM_005726.6(TSFM):c.664_667dup (p.Ser223fs)

Gene: TSFM (Ts translation elongation factor, mitochondrial; plus strand). Cytogenetic location: 12q14.1.
Variant type: Duplication.
Coding change: c.664_667dup on transcript NM_005726.6 (MANE Select); coding-DNA positions 664 to 667, 4 bases duplicated (CAGA; older notation c.664_667dupCAGA).
Protein change: p.Ser223fs; shifts the reading frame from serine 223.
Molecular consequence: frameshift variant. On other transcripts: 3 prime UTR variant (1), intron variant (1).
Genome position (GRCh38, 1-based): chr12:57,796,269-57,796,272, CAGA duplicated. VCF-style (leftmost placement, unchanged base first): chr12-57796268-G-GCAGA. GRCh37 (hg19) VCF-style: chr12-58190051-G-GCAGA.
Other names: c.*72_*75dup (NM_001172695.2); c.727_730dup, p.Ser244fs (NM_001172696.2); c.571+3196_571+3199dup (NM_001172697.2); short protein forms S223fs, S244fs.
Identifiers: ClinVar variation 3667827 (VCV003667827.2).
Genomic context (GRCh38, chr12:57,796,268, plus strand): 5'-AGCTGCATGGGTGAAGGTGCCATCTGGGTTCTACGTTGGCTCTTATGTCCACGGAGCAAT[G>GCAGA]CAGAGTCCCTCACTTCACAAGCTGGTGCTGGGGAAGTATGGGGCCCTGGTCATCTGTGAG-3'